The following is an entry in ClinVar:

ClinVar aggregate classification (germline): Uncertain significance. Review status: reviewed by expert panel (3 of 4 stars). 2 submissions from 2 submitters: Uncertain significance (1). 1 of the submissions does not count toward it. Last evaluated 2024-11-13.

Conditions:
Hereditary thrombocytopenia and hematologic cancer predisposition syndrome. Identifiers: Orphanet 71290, MedGen CN281654, MONDO:0011071.
Hereditary thrombocytopenia and hematological cancer predisposition syndrome associated with RUNX1. Also called: Familial Platelet Disorder with Propensity to Acute Myelogenous Leukemia; Familial thrombocytopenia with propensity to acute myelogenous leukemia; PLATELET DISORDER, ASPIRIN-LIKE; RUNX1 Familial Platelet Disorder with Associated Myeloid Malignancies. Identifiers: Orphanet 71290, MedGen C1832388, MeSH C563324, MONDO:0100083, OMIM 601399.

Allele frequency attached by ClinVar (database versions not stated): gnomAD exomes below 0.00001.
gnomAD v4.1: 1 of 1,610,108 alleles (0.000062%); highest among the groups gnomAD compares: Non-Finnish European, 0.000085%; no homozygotes.

Submissions (2):

ClinGen Myeloid Malignancy Variant Curation Expert Panel
Classification: Uncertain significance for Hereditary thrombocytopenia and hematologic cancer predisposition syndrome. Last evaluated: 2024-11-13. Review status: reviewed by expert panel. Criteria: ClinGen MyeloMalig ACMG Specifications v2. Collection method: curation. Allele origin: germline. Inheritance: Autosomal dominant inheritance.
Comment: NM_001754.5(RUNX1):c.805G>C (p.Asp269His) is a missense variant which has a REVEL score < 0.50 (0.318) and a SpliceAI score ≤ 0.20 (0.09) (BP4). In summary, the clinical significance of this variant is uncertain. ACMG/AMP criteria applied, as specified by the Myeloid Malignancy Variant Curation Expert Panel for RUNX1: BP4.

Labcorp Genetics (formerly Invitae), Labcorp
Classification: Uncertain significance for Hereditary thrombocytopenia and hematological cancer predisposition syndrome associated with RUNX1. Last evaluated: 2024-02-06. Review status: criteria provided, single submitter. Criteria: Invitae Variant Classification Sherloc (09022015). Collection method: clinical testing. Allele origin: germline. Not counted in ClinVar's aggregate classification.
Comment: This sequence change replaces aspartic acid, which is acidic and polar, with histidine, which is basic and polar, at codon 269 of the RUNX1 protein (p.Asp269His). This variant also falls at the last nucleotide of exon 7, which is part of the consensus splice site for this exon. This variant is not present in population databases (gnomAD no frequency). This variant has not been reported in the literature in individuals affected with RUNX1-related conditions. ClinVar contains an entry for this variant (Variation ID: 409807). An algorithm developed to predict the effect of missense changes on protein structure and function (PolyPhen-2) suggests that this variant is likely to be disruptive. Variants that disrupt the consensus splice site are a relatively common cause of aberrant splicing (PMID: 17576681, 9536098). In summary, the available evidence is currently insufficient to determine the role of this variant in disease. Therefore, it has been classified as a Variant of Uncertain Significance.

Literature cited by the submitters: PubMed 17576681 (cited by Labcorp Genetics (formerly Invitae), Labcorp); PubMed 9536098 (cited by Labcorp Genetics (formerly Invitae), Labcorp).

NM_001754.5(RUNX1):c.805G>C (p.Asp269His)

Gene: RUNX1 (RUNX family transcription factor 1; minus strand). Cytogenetic location: 21q22.12.
Variant type: single nucleotide variant.
Coding change: c.805G>C on transcript NM_001754.5 (MANE Select); coding-DNA position 805, G replaced by C.
Protein change: p.Asp269His; replaces aspartic acid 269 with histidine.
Molecular consequence: missense variant.
Genome position (GRCh38, 1-based): chr21:34,834,410, C>G on the plus strand (G>C on the coding strand, the complement: RUNX1 is on the minus strand). VCF-style: chr21-34834410-C-G. GRCh37 (hg19) VCF-style: chr21-36206707-C-G.
Other names: NM_001754.5(RUNX1):c.805G>C; p.Asp269His; c.724G>C, p.Asp242His (NM_001001890.3); c.724G>C, p.Glu242Gln (NM_001122607.2); short protein forms D269H, D242H, E242Q.
Identifiers: ClinVar variation 409807 (VCV000409807.9), dbSNP rs1060502574, ClinGen allele CA16616520.